The following is an entry in ClinVar:

NM_001376256.1(CRYM):c.8G>T (p.Arg3Leu)

Genes: CRYM (crystallin mu; minus strand), LOC130058620 (ATAC-STARR-seq lymphoblastoid active region 10553; plus strand). Cytogenetic location: 16p12.2.
Variant type: single nucleotide variant.
Coding change: c.8G>T on transcript NM_001376256.1 (MANE Select); coding-DNA position 8, G replaced by T.
Protein change: p.Arg3Leu; replaces arginine 3 with leucine.
Molecular consequence: missense variant.
Genome position (GRCh38, 1-based): chr16:21,278,244, C>A on the plus strand (G>T on the coding strand, the complement: CRYM is on the minus strand). VCF-style: chr16-21278244-C-A. GRCh37 (hg19) VCF-style: chr16-21289565-C-A.
Other names: c.8G>T, p.Arg3Leu (NM_001888.5); short protein forms R3L.
Identifiers: ClinVar variation 289303 (VCV000289303.18), dbSNP rs149797560, ClinGen allele CA7950836.
Genomic context (GRCh38, chr16:21,278,244, plus strand): 5'-AGGAGGCTGGAGCTGCGGAGGTGTTCCTCCACCTCGGCCGCGCTCAGGAACGCTGGTACC[C>A]GGCTCATCTCGCCACCTGTGCCTTCTAACCTCAGTCTCCGCACCGCGATCCACGTACCCT-3'
Protein context (NP_001363185.1, residues 1-13): MS[Arg3Leu]VPAFLSAAEV

ClinVar aggregate classification (germline): Conflicting classifications of pathogenicity. Review status: criteria provided, conflicting classifications (1 of 4 stars). 5 submissions from 5 submitters: Uncertain significance (3); Likely benign (2). Last evaluated 2025-10-12.

Conditions:
CRYM-related disorder. Also called: CRYM-related condition.

Allele frequency attached by ClinVar (database versions not stated): gnomAD 0.00013 and 0.00023; TOPMed 0.00014; ESP Exome Variant Server 0.00015; gnomAD exomes 0.00018; ExAC 0.00043; 1000 Genomes Project 30x 0.00094; 1000 Genomes Project 0.00100.
gnomAD v4.1: 182 of 1,584,580 alleles (0.011%); highest among the groups gnomAD compares: South Asian, 0.095%; 2 homozygotes.

Submissions (5):

Labcorp Genetics (formerly Invitae), Labcorp
Classification: Uncertain significance. Last evaluated: 2025-10-12. Review status: criteria provided, single submitter. Criteria: Invitae Variant Classification Sherloc (09022015). Collection method: clinical testing. Allele origin: germline.
Comment: This sequence change replaces arginine, which is basic and polar, with leucine, which is neutral and non-polar, at codon 3 of the CRYM protein (p.Arg3Leu). This variant is present in population databases (rs149797560, gnomAD 0.09%), and has an allele count higher than expected for a pathogenic variant. This variant has not been reported in the literature in individuals affected with CRYM-related conditions. ClinVar contains an entry for this variant (Variation ID: 289303). An algorithm developed to predict the effect of missense changes on protein structure and function (PolyPhen-2) suggests that this variant is likely to be tolerated. In summary, the available evidence is currently insufficient to determine the role of this variant in disease. Therefore, it has been classified as a Variant of Uncertain Significance.

PreventionGenetics, part of Exact Sciences
Classification: Likely benign for CRYM-related condition. Last evaluated: 2024-10-28. Review status: criteria provided, single submitter. Criteria: ACMG Guidelines, 2015. Collection method: clinical testing. Allele origin: germline.
Comment: This variant is classified as likely benign based on ACMG/AMP sequence variant interpretation guidelines (Richards et al. 2015 PMID: 25741868, with internal and published modifications).

GeneDx
Classification: Likely benign. Last evaluated: 2019-07-18. Review status: criteria provided, single submitter. Criteria: GeneDx Variant Classification Process June 2021. Collection method: clinical testing. Allele origin: germline. Affected: yes.

Center for Pediatric Genomic Medicine, Children's Mercy Hospital and Clinics
Classification: Uncertain significance. Last evaluated: 2017-01-24. Review status: criteria provided, single submitter. Criteria: ACMG Guidelines, 2015. Collection method: clinical testing. Allele origin: germline.
ClinVar note: Converted during submission from Uncertain Significance to Uncertain significance.

Eurofins Ntd Llc (ga)
Classification: Uncertain significance. Last evaluated: 2016-08-17. Review status: criteria provided, single submitter. Criteria: EGL Classification Definitions 2015. Collection method: clinical testing. Allele origin: germline. Observed: 1 variant allele, 1 heterozygote.